The following is an entry in ClinVar:

NM_017763.6(RNF43):c.504C>T (p.Asp168=)

Gene: RNF43 (ring finger protein 43; minus strand). Cytogenetic location: 17q22.
Variant type: single nucleotide variant.
Coding change: c.504C>T on transcript NM_017763.6 (MANE Select); coding-DNA position 504, C replaced by T.
Protein change: p.Asp168=; no amino-acid change (aspartic acid 168 retained).
Molecular consequence: synonymous variant.
Genome position (GRCh38, 1-based): chr17:58,363,353, G>A on the plus strand (C>T on the coding strand, the complement: RNF43 is on the minus strand). VCF-style: chr17-58363353-G-A. GRCh37 (hg19) VCF-style: chr17-56440714-G-A.
Other names: c.504C>T, p.Asp168= (NM_001305544.3); c.123C>T, p.Asp41= (NM_001305545.2).
Identifiers: ClinVar variation 1148965 (VCV001148965.10), dbSNP rs746582652, ClinGen allele CA8673398.

ClinVar aggregate classification (germline): Benign/Likely benign. Review status: criteria provided, multiple submitters, no conflicts (2 of 4 stars). 2 submissions from 2 submitters: Benign (1); Likely benign (1). Last evaluated 2026-06-30.

Conditions:
Sessile serrated polyposis cancer syndrome (SSPCS). Identifiers: Orphanet 157798, MedGen C4310714, MONDO:0014919, OMIM 617108.

Allele frequency attached by ClinVar (database versions not stated): ExAC 0.00003; gnomAD exomes 0.00002 and 0.00003.
gnomAD v4.1: 40 of 1,614,122 alleles (0.0025%); highest among the groups gnomAD compares: Middle Eastern, 0.016%; no homozygotes.

Submissions (2):

Myriad Genetics, Inc.
Classification: Benign for Sessile serrated polyposis cancer syndrome. Last evaluated: 2026-06-30. Review status: criteria provided, single submitter. Criteria: Myriad Autosomal Dominant, Autosomal Recessive and X-Linked Classification Criteria (2023). Collection method: clinical testing. Allele origin: unknown.
Comment: This variant is considered benign. This variant is a silent/synonymous amino acid change and it is not expected to impact splicing.

Labcorp Genetics (formerly Invitae), Labcorp
Classification: Likely benign. Last evaluated: 2024-10-22. Review status: criteria provided, single submitter. Criteria: Invitae Variant Classification Sherloc (09022015). Collection method: clinical testing. Allele origin: germline.